The following is an entry in ClinVar:

NM_004618.5(TOP3A):c.272G>A (p.Gly91Glu)

Gene: TOP3A (DNA topoisomerase III alpha; minus strand). Cytogenetic location: 17p11.2.
Variant type: single nucleotide variant.
Coding change: c.272G>A on transcript NM_004618.5 (MANE Select); coding-DNA position 272, G replaced by A.
Protein change: p.Gly91Glu; replaces glycine 91 with glutamic acid.
Molecular consequence: missense variant. On other transcripts: intron variant (1).
Genome position (GRCh38, 1-based): chr17:18,308,393, C>T on the plus strand (G>A on the coding strand, the complement: TOP3A is on the minus strand). VCF-style: chr17-18308393-C-T. GRCh37 (hg19) VCF-style: chr17-18211707-C-T.
Other names: c.29+489G>A (NM_001320759.2); short protein forms G91E.
Identifiers: ClinVar variation 2124375 (VCV002124375.4), dbSNP rs2545630352, ClinGen allele CA398641978.

ClinVar aggregate classification (germline): Uncertain significance (1 of 4 stars; one submission).

Submission:

Labcorp Genetics (formerly Invitae), Labcorp
Classification: Uncertain significance. Last evaluated: 2022-04-10. Review status: criteria provided, single submitter. Criteria: Invitae Variant Classification Sherloc (09022015). Collection method: clinical testing. Allele origin: germline.
Comment: This sequence change replaces glycine, which is neutral and non-polar, with glutamic acid, which is acidic and polar, at codon 91 of the TOP3A protein (p.Gly91Glu). This variant is not present in population databases (gnomAD no frequency). This variant has not been reported in the literature in individuals affected with TOP3A-related conditions. Algorithms developed to predict the effect of missense changes on protein structure and function are either unavailable or do not agree on the potential impact of this missense change (SIFT: "Not Available"; PolyPhen-2: "Probably Damaging"; Align-GVGD: "Not Available"). In summary, the available evidence is currently insufficient to determine the role of this variant in disease. Therefore, it has been classified as a Variant of Uncertain Significance.